The following is an entry in ClinVar:

ClinVar aggregate classification (germline): Uncertain significance (1 of 4 stars; one submission).

Conditions:
Inborn genetic diseases. Identifiers: MedGen C0950123, MeSH D030342.

Submission:

Ambry Genetics
Classification: Uncertain significance for Inborn genetic diseases. Last evaluated: 2021-11-22. Review status: criteria provided, single submitter. Criteria: Ambry Variant Classification Scheme 2023. Collection method: clinical testing. Allele origin: germline.
Comment: The p.C368Y variant (also known as c.1103G>A), located in coding exon 5 of the PIK3CA gene, results from a G to A substitution at nucleotide position 1103. The cysteine at codon 368 is replaced by tyrosine, an amino acid with highly dissimilar properties. This amino acid position is conserved. In addition, this alteration is predicted to be deleterious by in silico analysis. Since supporting evidence is limited at this time, the clinical significance of this alteration remains unclear.

NM_006218.4(PIK3CA):c.1103G>A (p.Cys368Tyr)

Gene: PIK3CA (phosphatidylinositol-4,5-bisphosphate 3-kinase catalytic subunit alpha; plus strand). Cytogenetic location: 3q26.32.
Variant type: single nucleotide variant.
Coding change: c.1103G>A on transcript NM_006218.4 (MANE Select); coding-DNA position 1103, G replaced by A.
Protein change: p.Cys368Tyr; replaces cysteine 368 with tyrosine.
Molecular consequence: missense variant.
Genome position (GRCh38, 1-based): chr3:179,204,546, G>A. VCF-style: chr3-179204546-G-A. GRCh37 (hg19) VCF-style: chr3-178922334-G-A.
Other names: short protein forms C368Y.
Identifiers: ClinVar variation 1793083 (VCV001793083.2), dbSNP rs2108394427, ClinGen allele CA355282955.